The following is an entry in ClinVar:

NM_000230.3(LEP):c.174C>G (p.Thr58=)

Gene: LEP (leptin; plus strand). Cytogenetic location: 7q32.1.
Variant type: single nucleotide variant.
Coding change: c.174C>G on transcript NM_000230.3 (MANE Select); coding-DNA position 174, C replaced by G.
Protein change: p.Thr58=; no amino-acid change (threonine 58 retained).
Molecular consequence: synonymous variant.
Genome position (GRCh38, 1-based): chr7:128,254,433, C>G. VCF-style: chr7-128254433-C-G. GRCh37 (hg19) VCF-style: chr7-127894486-C-G.
Identifiers: ClinVar variation 3047910 (VCV003047910.2), dbSNP rs199647957, ClinGen allele CA4469667.

ClinVar aggregate classification (germline): Likely benign (0 of 4 stars; one submission).

Conditions:
LEP-related disorder. Also called: LEP-related condition.

Submission:

PreventionGenetics, part of Exact Sciences
Classification: Likely benign for LEP-related condition. Last evaluated: 2023-04-20. Review status: no assertion criteria provided. Collection method: clinical testing. Allele origin: germline.
Comment: This variant is classified as likely benign based on ACMG/AMP sequence variant interpretation guidelines (Richards et al. 2015 PMID: 25741868, with internal and published modifications).